The following is an entry in ClinVar:

ClinVar aggregate classification (germline): Benign. Review status: criteria provided, multiple submitters, no conflicts (2 of 4 stars). 6 submissions from 6 submitters: Benign (6). Last evaluated 2026-02-04.

Conditions:
Osteogenesis imperfecta type 13. Also called: OI, TYPE XIII; Osteogenesis imperfecta, type xiii. Identifiers: Orphanet 666, MedGen C3553887, MONDO:0013924, OMIM 614856.
Osteogenesis imperfecta (OI). Identifiers: Orphanet 666, MedGen C0029434, MeSH D010013, MONDO:0019019.

Allele frequency attached by ClinVar (database versions not stated): gnomAD 0.01618 and 0.01814; ESP Exome Variant Server 0.01768; TOPMed 0.01921; gnomAD exomes 0.02045 and 0.02400; ExAC 0.02428; 1000 Genomes Project 30x 0.03435; 1000 Genomes Project 0.03554.
gnomAD v4.1: 33,126 of 1,613,612 alleles (2.1%); highest among the groups gnomAD compares: Middle Eastern, 9%; 515 homozygotes.

Submissions (6):

Labcorp Genetics (formerly Invitae), Labcorp
Classification: Benign. Last evaluated: 2026-02-04. Review status: criteria provided, single submitter. Criteria: Invitae Variant Classification Sherloc (09022015). Collection method: clinical testing. Allele origin: germline.

Mayo Clinic Laboratories, Mayo Clinic
Classification: Benign. Last evaluated: 2023-04-21. Review status: criteria provided, single submitter. Criteria: ACMG Guidelines, 2015. Collection method: clinical testing. Allele origin: germline. Observed: 13 variant alleles.
Comment: BS1, BS2, BP4, BP7

Genome Diagnostics Laboratory, The Hospital for Sick Children
Classification: Benign for Osteogenesis imperfecta. Last evaluated: 2022-02-10. Review status: criteria provided, single submitter. Criteria: ACMG Guidelines, 2015. Collection method: clinical testing. Allele origin: germline.

GeneDx
Classification: Benign. Last evaluated: 2018-04-10. Review status: criteria provided, single submitter. Criteria: GeneDx Variant Classification (06012015). Collection method: clinical testing. Allele origin: germline. Affected: yes.
Comment: This variant is considered likely benign or benign based on one or more of the following criteria: it is a conservative change, it occurs at a poorly conserved position in the protein, it is predicted to be benign by multiple in silico algorithms, and/or has population frequency not consistent with disease.

Illumina Laboratory Services, Illumina
Classification: Benign for Osteogenesis imperfecta type 13. Last evaluated: 2018-01-13. Review status: criteria provided, single submitter. Criteria: ICSL Variant Classification Criteria 13 December 2019. Collection method: clinical testing. Allele origin: germline.
Comment: This variant was observed in the ICSL laboratory as part of a predisposition screen in an ostensibly healthy population. It had not been previously curated by ICSL or reported in the Human Gene Mutation Database (HGMD: prior to June 1st, 2018), and was therefore a candidate for classification through an automated scoring system. Utilizing variant allele frequency, disease prevalence and penetrance estimates, and inheritance mode, an automated score was calculated to assess if this variant is too frequent to cause the disease. Based on the score and internal cut-off values, a variant classified as benign is not then subjected to further curation. The score for this variant resulted in a classification of benign for this disease.

Breakthrough Genomics
Classification: Benign. Review status: criteria provided, single submitter. Criteria: ACMG Guidelines, 2015. Collection method: not provided. Allele origin: germline. Inheritance: Autosomal recessive inheritance. Affected: yes.

NM_006129.5(BMP1):c.2115C>T (p.Asp705=)

Gene: BMP1 (bone morphogenetic protein 1; plus strand). Cytogenetic location: 8p21.3.
Variant type: single nucleotide variant.
Coding change: c.2115C>T on transcript NM_006129.5 (MANE Select); coding-DNA position 2115, C replaced by T.
Protein change: p.Asp705=; no amino-acid change (aspartic acid 705 retained).
Molecular consequence: synonymous variant. On other transcripts: non-coding transcript variant (1).
Genome position (GRCh38, 1-based): chr8:22,201,810, C>T. VCF-style: chr8-22201810-C-T. GRCh37 (hg19) VCF-style: chr8-22059323-C-T.
Other names: p.Asp705=.
Identifiers: ClinVar variation 362591 (VCV000362591.18), dbSNP rs61729094, ClinGen allele CA4665125.